The following is an entry in ClinVar:

NM_001128840.3(CACNA1D):c.2922C>G (p.Ser974=)

Gene: CACNA1D (calcium voltage-gated channel subunit alpha1 D; plus strand). Cytogenetic location: 3p21.1.
Variant type: single nucleotide variant.
Coding change: c.2922C>G on transcript NM_001128840.3 (MANE Select); coding-DNA position 2922, C replaced by G.
Protein change: p.Ser974=; no amino-acid change (serine 974 retained).
Molecular consequence: synonymous variant.
Genome position (GRCh38, 1-based): chr3:53,744,743, C>G. VCF-style: chr3-53744743-C-G. GRCh37 (hg19) VCF-style: chr3-53778770-C-G.
Other names: c.2982C>G, p.Ser994= (NM_000720.4); c.2922C>G, p.Ser974= (NM_001128839.3).
Identifiers: ClinVar variation 730669 (VCV000730669.12), dbSNP rs145636624, ClinGen allele CA2454399.
Genomic context (GRCh38, chr3:53,744,743, plus strand): 5'-AAGCATCCTGTCCATTTATAACACGCTCTGCCTGCCGTCTTTCTGCTCCTTCCCTAGATC[C>G]AGTGCCATCTCCGTTGTGAAGATTCTGAGGGTCTTAAGGGTCCTGCGTCCCCTCAGGGCC-3'
Protein context (NP_001122312.1, residues 964-984): GVSLVSFGIQ[Ser974=]SAISVVKILR

ClinVar aggregate classification (germline): Likely benign. Review status: criteria provided, multiple submitters, no conflicts (2 of 4 stars). 4 submissions from 4 submitters: Likely benign (3). 1 of the submissions does not count toward it. Last evaluated 2026-05-21.

Conditions:
CACNA1D-related disorder.

Allele frequency attached by ClinVar (database versions not stated): ExAC 0.00007; gnomAD exomes 0.00010; 1000 Genomes Project 30x 0.00016; 1000 Genomes Project 0.00020; ESP Exome Variant Server 0.00023; gnomAD 0.00033 and 0.00035; TOPMed 0.00039.
gnomAD v4.1: 106 of 1,585,182 alleles (0.0067%); highest among the groups gnomAD compares: African/African-American, 0.12%; no homozygotes.

Submissions (4):

Women's Health and Genetics/Laboratory Corporation of America, LabCorp
Classification: Likely benign. Last evaluated: 2026-05-21. Review status: criteria provided, single submitter. Criteria: LabCorp Variant Classification Summary - May 2015. Collection method: clinical testing. Allele origin: germline.

Labcorp Genetics (formerly Invitae), Labcorp
Classification: Likely benign. Last evaluated: 2025-12-23. Review status: criteria provided, single submitter. Criteria: Invitae Variant Classification Sherloc (09022015). Collection method: clinical testing. Allele origin: germline.

Blueprint Genetics
Classification: Likely benign. Last evaluated: 2022-09-13. Review status: criteria provided, single submitter. Criteria: ACMG Guidelines, 2015. Collection method: clinical testing. Allele origin: germline.

PreventionGenetics, part of Exact Sciences
Classification: Likely benign for CACNA1D-related condition. Last evaluated: 2019-07-12. Review status: no assertion criteria provided. Collection method: clinical testing. Allele origin: germline. Not counted in ClinVar's aggregate classification.
Comment: This variant is classified as likely benign based on ACMG/AMP sequence variant interpretation guidelines (Richards et al. 2015 PMID: 25741868, with internal and published modifications).